The following is an entry in ClinVar:

ClinVar aggregate classification (germline): Likely pathogenic (1 of 4 stars; one submission).

Conditions:
Charcot-Marie-Tooth disease axonal type 2P. Also called: CHARCOT-MARIE-TOOTH NEUROPATHY, TYPE 2P; CHARCOT-MARIE-TOOTH DISEASE, AXONAL, TYPE 2G; CMT 2G; Charcot-Marie-Tooth Neuropathy Type 2G. Identifiers: Orphanet 300319, Orphanet 99941, MedGen C3280797, MONDO:0013753, OMIM 614436.

Submission:

Laboratório de Neurologia Aplicada e Experimental, Faculdade de Medicina de Ribeirao Preto – Universidade de Sao Paulo
Classification: Likely pathogenic for Charcot-Marie-Tooth disease axonal type 2P. Last evaluated: 2021-07-20. Review status: criteria provided, single submitter. Criteria: ACMG Guidelines, 2015. Collection method: research. Allele origin: germline. Inheritance: Autosomal dominant inheritance. Affected: yes. Observed: 1 variant allele, 1 heterozygote.
Comment: The variant c.935_942del (p.Glu312Alafs * 48) in the LRSAM1 gene has not been described in the literature to our knowledge. This variant is not present in the population database (GnomAD and ABraOM), suggesting it is not a common benign variant in these populations. This sequence change results in a frameshift in the LRSAM1 gene starting with glutamic acid codon 312, changes this amino acid to an alanine residue, and creates a premature stop codon at position 48 of the new reading frame, causing the loss of all the RING domain of the protein (PMID: 33568173). Most of the pathogenic variants described in this gene are located in this domain (RING: C-terminal; amino acids 675-710), showing their importance for the correct function of the protein (PMID: 33568173). Furthermore, the deleted amino acids (Glu312, His313, Gln314) are conserved in different species. Variants in this gene are responsible for the CMT2P phenotype with autosomal dominant inheritance or, less frequently, autosomal recessive inheritance (OMIM: 614436). In summary, p.Glu312Alafs * 48 meets our criteria to be classified as likely pathogenic.

Literature cited by the submitters: PubMed 33568173.

NM_001005373.4(LRSAM1):c.935_942del (p.Glu312fs)

Gene: LRSAM1 (leucine rich repeat and sterile alpha motif containing 1; plus strand). Cytogenetic location: 9q33.3.
Variant type: Deletion.
Coding change: c.935_942del on transcript NM_001005373.4 (MANE Select); coding-DNA positions 935 to 942, 8 bases deleted (AGCACCAG; older notation c.935_942delAGCACCAG).
Protein change: p.Glu312fs; shifts the reading frame from glutamic acid 312.
Molecular consequence: frameshift variant. On other transcripts: non-coding transcript variant (2).
Genome position (GRCh38, 1-based): chr9:127,479,870-127,479,877, AGCACCAG deleted; deleting any 8 consecutive bases within chr9:127,479,869-127,479,877 gives the same sequence; the c. name uses the placement nearest the transcript's 3' end. VCF-style (leftmost placement, unchanged base first): chr9-127479868-TGAGCACCA-T. GRCh37 (hg19) VCF-style: chr9-130242147-TGAGCACCA-T.
Other names: chr9-127479870-AGCACCAG; p.Glu312AlafsTer48; c.935_942del, p.Glu312fs (NM_001005374.4, NM_001190723.3, NM_001384142.1 and 2 more transcripts); c.146_153del, p.Glu49fs (NM_001384144.1); short protein forms E312fs, E49fs.
Identifiers: ClinVar variation 1299493 (VCV001299493.1), dbSNP rs1835470775, ClinGen allele CA1879831140.